The following is an entry in ClinVar:

NM_025114.4(CEP290):c.6604dup (p.Ile2202fs)

Gene: CEP290 (centrosomal protein 290; minus strand). Cytogenetic location: 12q21.32.
Variant type: Duplication.
Coding change: c.6604dup on transcript NM_025114.4 (MANE Select); coding-DNA position 6604, one base duplicated (A; older notation c.6604dupA).
Protein change: p.Ile2202fs; shifts the reading frame from isoleucine 2202.
Molecular consequence: frameshift variant.
Genome position (GRCh38, 1-based): chr12:88,059,939, T duplicated on the plus strand (A on the coding strand, the reverse complement: CEP290 is on the minus strand); the first of 6 consecutive T bases (chr12:88,059,939-88,059,944); duplicating any one gives the same sequence. VCF-style (leftmost placement, unchanged base first): chr12-88059938-A-AT. GRCh37 (hg19) VCF-style: chr12-88453715-A-AT.
Other names: short protein forms I2202fs.
Identifiers: ClinVar variation 4816234 (VCV004816234.2).
Genomic context (GRCh38, chr12:88,059,938, plus strand): 5'-ATCAGTCATAAAAGTCATACTTTTTTAAGTTCTTTACGAAGCCTTTCATTTTCAGCAATA[A>AT]TTTTTTCTGTGCCTTTGGTCTTGGATTCATAGTGCATGCTCAACTGATGCCCAAGATGAG-3'

ClinVar aggregate classification (germline): Pathogenic/Likely pathogenic. Review status: criteria provided, multiple submitters, no conflicts (2 of 4 stars). 2 submissions from 2 submitters: Pathogenic (1); Likely pathogenic (1). Last evaluated 2026-02-19.

Conditions:
Leber congenital amaurosis (LCA). Also called: Leber's amaurosis. Identifiers: Orphanet 65, MedGen C0339527, MeSH D057130, MONDO:0018998.
CEP290-related ciliopathy. Also called: CEP290 ciliopathy. Identifiers: MedGen CN305601, MONDO:0100451.

Submissions (2):

Myriad Genetics, Inc.
Classification: Pathogenic for CEP290-related ciliopathy. Last evaluated: 2026-02-19. Review status: criteria provided, single submitter. Criteria: Myriad Autosomal Dominant, Autosomal Recessive and X-Linked Classification Criteria (2023). Collection method: clinical testing. Allele origin: unknown.
Comment: NM_025114.3(CEP290):c.6604dupA(I2202Nfs*4) is expected to be pathogenic in the context of CEP290-related disorders. This variant is predicted to lead to an abnormal or absent protein product due to the creation of a premature termination codon in CEP290, a gene where loss-of-function variants are known to be pathogenic. Please note: this variant was assessed in the context of healthy population screening.

Natera, Inc.
Classification: Likely pathogenic for Leber congenital amaurosis. Last evaluated: 2025-12-26. Review status: criteria provided, single submitter. Criteria: Natera Variant Classification Schema (03/2026). Collection method: clinical testing. Allele origin: germline.
Comment: The c.6604dupA variant in CEP290 is a frameshift variant predicted to shift the reading frame beginning at codon 2202 and leads to a stop codon 4 codons downstream. This variant is expected to result in nonsense mediated decay, truncation, or a dysfunctional protein product. This variant is rare in the general population with a frequency below the threshold expected for the associated phenotype(s). Given the available evidence, this variant is classified as Likely Pathogenic.